The following is an entry in ClinVar:

NM_014975.3(MAST1):c.-5G>A

Genes: MAST1 (microtubule associated serine/threonine kinase 1; plus strand), LOC130063671 (ATAC-STARR-seq lymphoblastoid silent region 10178; plus strand). Cytogenetic location: 19p13.13.
Variant type: single nucleotide variant.
Coding change: c.-5G>A on transcript NM_014975.3 (MANE Select); 5 bases upstream of the start codon, G replaced by A.
Molecular consequence: 5 prime UTR variant.
Genome position (GRCh38, 1-based): chr19:12,838,568, G>A. VCF-style: chr19-12838568-G-A. GRCh37 (hg19) VCF-style: chr19-12949382-G-A.
Identifiers: ClinVar variation 4536918 (VCV004536918.1).

ClinVar aggregate classification (germline): Uncertain significance (1 of 4 stars; one submission).

Submission:

Women's Health and Genetics/Laboratory Corporation of America, LabCorp
Classification: Uncertain significance. Last evaluated: 2025-11-10. Review status: criteria provided, single submitter. Criteria: LabCorp Variant Classification Summary - May 2015. Collection method: clinical testing. Allele origin: germline.
Comment: Variant summary: MAST1 c.-5G>A is located in the untranslated mRNA region upstream of the initiation codon. The variant was absent in 224398 control chromosomes. The available data on variant occurrences in the general population are insufficient to allow any conclusion about variant significance. To our knowledge, no occurrence of c.-5G>A in individuals affected with MAST1-related conditions and no experimental evidence demonstrating its impact on protein function have been reported. No submitters have cited clinical-significance assessments for this variant to ClinVar. Based on the evidence outlined above, the variant was classified as uncertain significance.